The following is an entry in ClinVar:

ClinVar aggregate classification (germline): Likely benign. Review status: criteria provided, single submitter (1 of 4 stars). 2 submissions from 2 submitters: Likely benign (1). 1 of the submissions does not count toward it. Last evaluated 2025-10-01.

Conditions:
KCND2-related disorder. Also called: KCND2-related condition.
Early Myoclonic Encephalopathy. Identifiers: MedGen C0270855.

Allele frequency attached by ClinVar (database versions not stated): gnomAD exomes 0.00015 and 0.00005; 1000 Genomes Project 0.00020; ExAC 0.00012; 1000 Genomes Project 30x 0.00016; gnomAD 0.00005 and 0.00004; TOPMed 0.00010.
gnomAD v4.1: 88 of 1,613,606 alleles (0.0055%); highest among the groups gnomAD compares: East Asian, 0.1%; no homozygotes.

Submissions (2):

Labcorp Genetics (formerly Invitae), Labcorp
Classification: Likely benign for Early Myoclonic Encephalopathy. Last evaluated: 2025-10-01. Review status: criteria provided, single submitter. Criteria: Invitae Variant Classification Sherloc (09022015). Collection method: clinical testing. Allele origin: germline.

PreventionGenetics, part of Exact Sciences
Classification: Likely benign for KCND2-related condition. Last evaluated: 2019-06-24. Review status: no assertion criteria provided. Collection method: clinical testing. Allele origin: germline. Not counted in ClinVar's aggregate classification.
Comment: This variant is classified as likely benign based on ACMG/AMP sequence variant interpretation guidelines (Richards et al. 2015 PMID: 25741868, with internal and published modifications).

NM_012281.3(KCND2):c.949C>T (p.Leu317=)

Gene: KCND2 (potassium voltage-gated channel subfamily D member 2; plus strand). Cytogenetic location: 7q31.31.
Variant type: single nucleotide variant.
Coding change: c.949C>T on transcript NM_012281.3 (MANE Select); coding-DNA position 949, C replaced by T.
Protein change: p.Leu317=; no amino-acid change (leucine 317 retained).
Molecular consequence: synonymous variant.
Genome position (GRCh38, 1-based): chr7:120,275,581, C>T. VCF-style: chr7-120275581-C-T. GRCh37 (hg19) VCF-style: chr7-119915635-C-T.
Identifiers: ClinVar variation 460207 (VCV000460207.14), dbSNP rs3814462, ClinGen allele CA4453559.